The following is an entry in ClinVar:

NM_001199397.3(NEK1):c.3761_3771del (p.Ile1254fs)

Gene: NEK1 (NIMA related kinase 1; minus strand). Cytogenetic location: 4q33.
Variant type: Deletion.
Coding change: c.3761_3771del on transcript NM_001199397.3 (MANE Select); coding-DNA positions 3761 to 3771, 11 bases deleted (TAGTTCAAAAT).
Protein change: p.Ile1254fs; shifts the reading frame from isoleucine 1254.
Molecular consequence: frameshift variant. On other transcripts: non-coding transcript variant (1).
Genome position (GRCh38, 1-based): chr4:169,400,301-169,400,311, ATTTTGAACTA deleted on the plus strand (TAGTTCAAAAT on the coding strand, the reverse complement: NEK1 is on the minus strand). VCF-style (leftmost placement, unchanged base first): chr4-169400300-TATTTTGAACTA-T. GRCh37 (hg19) VCF-style: chr4-170321451-TATTTTGAACTA-T.
Other names: c.3629_3639del, p.Ile1210fs (NM_001199398.3); c.3470_3480del, p.Ile1157fs (NM_001199399.3); c.3545_3555del, p.Ile1182fs (NM_001199400.3); c.3761_3771del, p.Ile1254fs (NM_001374418.1); c.3677_3687del, p.Ile1226fs (NM_001374419.1, NM_012224.4); c.3626_3636del, p.Ile1209fs (NM_001374420.1); c.3278_3288del, p.Ile1093fs (NM_001374421.1); short protein forms I1093fs, I1157fs, I1182fs, I1209fs, I1210fs, I1226fs, I1254fs.
Identifiers: ClinVar variation 1678579 (VCV001678579.2), dbSNP rs2111007067, ClinGen allele CA923726267.

ClinVar aggregate classification (germline): Likely pathogenic (1 of 4 stars; one submission).

Conditions:
Short-rib thoracic dysplasia 6 with or without polydactyly (SRTD6). Also called: SHORT RIB-POLYDACTYLY SYNDROME, TYPE IIA; Majewski Syndrome; POLYDACTYLY WITH NEONATAL CHONDRODYSTROPHY, TYPE II; SHORT-RIB THORACIC DYSPLASIA 6 WITH POLYDACTYLY; SHORT-RIB THORACIC DYSPLASIA 6 WITHOUT POLYDACTYLY. Identifiers: MedGen C0024507, MONDO:0009894, OMIM 263520.

Allele frequency attached by ClinVar (database versions not stated): gnomAD exomes below 0.00001.

Submission:

Molecular Genetics, Royal Melbourne Hospital
Classification: Likely pathogenic for Short-rib thoracic dysplasia 6 with or without polydactyly. Last evaluated: 2023-03-30. Review status: criteria provided, single submitter. Criteria: ACMG Guidelines, 2015. Collection method: clinical testing. Allele origin: germline.
Comment: This sequence change is a deletion of 11 bp in exon 35 (of 36) of NEK1 that is predicted to create a premature termination codon at position 1258 (p.Ile1254Asnfs*5). It is expected to result in nonsense mediated decay in a gene where loss of function is a mechanism of disease (PVS1). The variant is absent in a large population cohort (PM2; gnomAD v2.1), and has not been reported in the relevant medical literature or databases. Based on the classification scheme RMH ACMG Guidelines v1.2.1, this variant is classified as LIKELY PATHOGENIC. Following criteria are met: PVS1, PM2.